The following is an entry in ClinVar:

ClinVar aggregate classification (germline): Uncertain significance (1 of 4 stars; one submission).

Submission:

Ambry Genetics
Classification: Uncertain significance. Last evaluated: 2025-06-14. Review status: criteria provided, single submitter. Criteria: Ambry Variant Classification Scheme 2023. Collection method: clinical testing. Allele origin: germline.
Comment: The p.E993K variant (also known as c.2977G>A), located in coding exon 26 of the KIF1B gene, results from a G to A substitution at nucleotide position 2977. The glutamic acid at codon 993 is replaced by lysine, an amino acid with similar properties. This amino acid position is conserved. In addition, the in silico prediction for this alteration is inconclusive. Since supporting evidence is limited at this time, the clinical significance of this alteration remains unclear.

NM_001365951.3(KIF1B):c.3115G>A (p.Glu1039Lys)

Gene: KIF1B (kinesin family member 1B; plus strand). Cytogenetic location: 1p36.22.
Variant type: single nucleotide variant.
Coding change: c.3115G>A on transcript NM_001365951.3 (MANE Select); coding-DNA position 3115, G replaced by A.
Protein change: p.Glu1039Lys; replaces glutamic acid 1039 with lysine.
Molecular consequence: missense variant.
Genome position (GRCh38, 1-based): chr1:10,336,728, G>A. VCF-style: chr1-10336728-G-A. GRCh37 (hg19) VCF-style: chr1-10396786-G-A.
Other names: c.3115G>A, p.Glu1039Lys (NM_001365952.1); c.2977G>A, p.Glu993Lys (NM_015074.3); short protein forms E1039K, E993K.
Identifiers: ClinVar variation 2497113 (VCV002497113.3), dbSNP rs2521716040, ClinGen allele CA338339455.